The following is an entry in ClinVar:

ClinVar aggregate classification (germline): Uncertain significance. Review status: criteria provided, multiple submitters, no conflicts (2 of 4 stars). 2 submissions from 2 submitters: Uncertain significance (2). Last evaluated 2024-04-16.

Conditions:
Cardiomyopathy (CMYO). Also called: Cardiomyopathies. Identifiers: Orphanet 167848, MedGen C0878544, MONDO:0004994, HP:0001638. Inheritance: Various modes of inheritance.
Arrhythmogenic cardiomyopathy with wooly hair and keratoderma. Also called: PALMOPLANTAR KERATODERMA WITH LEFT VENTRICULAR CARDIOMYOPATHY AND WOOLLY HAIR; Carvajal syndrome; Dilated cardiomyopathy with woolly hair and keratoderma; Arrhythmogenic cardiomyopathy with woolly hair and keratoderma. Identifiers: Orphanet 65282, MedGen C1854063, MONDO:0011581, OMIM 605676.

Allele frequency attached by ClinVar (database versions not stated): gnomAD exomes below 0.00001 and 0.00001; ExAC 0.00001.

Submissions (2):

All of Us Research Program, National Institutes of Health
Classification: Uncertain significance for Arrhythmogenic cardiomyopathy with wooly hair and keratoderma. Last evaluated: 2024-04-16. Review status: criteria provided, single submitter. Criteria: ACMG Guidelines, 2015. Collection method: clinical testing. Allele origin: germline. Inheritance: Autosomal dominant inheritance. Observed: 1 variant allele, 1 heterozygote.
Comment: This missense variant replaces valine with methionine at codon 2741 of the DSP protein. Computational prediction suggests that this variant may not impact protein structure and function (internally defined REVEL score threshold <= 0.5, PMID: 27666373). Splice site prediction tools suggest that this variant may not impact RNA splicing. To our knowledge, functional studies have not been reported for this variant. This variant has not been reported in individuals affected with cardiovascular disorders in the literature. This variant has been identified in 2/251428 chromosomes in the general population by the Genome Aggregation Database (gnomAD). The available evidence is insufficient to determine the role of this variant in disease conclusively. Therefore, this variant is classified as a Variant of Uncertain Significance.

This study involves interpretation of variants in research participants for the purpose of population health screening. Participant phenotype was not available at the time of variant classification. Additional details can be found in publication PMID: 35346344, PMCID: PMC8962531

Color Diagnostics, LLC DBA Color Health
Classification: Uncertain significance for Cardiomyopathy. Last evaluated: 2024-03-06. Review status: criteria provided, single submitter. Criteria: ACMG Guidelines, 2015. Collection method: clinical testing. Allele origin: germline.
Comment: This missense variant replaces valine with methionine at codon 2741 of the DSP protein. Computational prediction suggests that this variant may not impact protein structure and function (internally defined REVEL score threshold <= 0.5, PMID: 27666373). Splice site prediction tools suggest that this variant may not impact RNA splicing. To our knowledge, functional studies have not been reported for this variant. This variant has not been reported in individuals affected with cardiovascular disorders in the literature. This variant has been identified in 2/251428 chromosomes in the general population by the Genome Aggregation Database (gnomAD). The available evidence is insufficient to determine the role of this variant in disease conclusively. Therefore, this variant is classified as a Variant of Uncertain Significance.

NM_004415.4(DSP):c.8221G>A (p.Val2741Met)

Gene: DSP (desmoplakin; plus strand). Cytogenetic location: 6p24.3.
Variant type: single nucleotide variant.
Coding change: c.8221G>A on transcript NM_004415.4 (MANE Select); coding-DNA position 8221, G replaced by A.
Protein change: p.Val2741Met; replaces valine 2741 with methionine.
Molecular consequence: missense variant.
Genome position (GRCh38, 1-based): chr6:7,585,483, G>A. VCF-style: chr6-7585483-G-A. GRCh37 (hg19) VCF-style: chr6-7585716-G-A.
Other names: c.6424G>A, p.Val2142Met (NM_001008844.3); c.6892G>A, p.Val2298Met (NM_001319034.2); short protein forms V2142M, V2298M, V2741M.
Identifiers: ClinVar variation 928301 (VCV000928301.5), dbSNP rs779485431, ClinGen allele CA051822.